The following is an entry in ClinVar:

NM_001378414.1(HDAC4):c.2911G>T (p.Gly971Cys)

Gene: HDAC4 (histone deacetylase 4; minus strand). Cytogenetic location: 2q37.3.
Variant type: single nucleotide variant.
Coding change: c.2911G>T on transcript NM_001378414.1 (MANE Select); coding-DNA position 2911, G replaced by T.
Protein change: p.Gly971Cys; replaces glycine 971 with cysteine.
Molecular consequence: missense variant.
Genome position (GRCh38, 1-based): chr2:239,066,814, C>A on the plus strand (G>T on the coding strand, the complement: HDAC4 is on the minus strand). VCF-style: chr2-239066814-C-A. GRCh37 (hg19) VCF-style: chr2-239988510-C-A.
Other names: c.2911G>T, p.Gly971Cys (NM_001378415.1); c.2896G>T, p.Gly966Cys (NM_001378416.1, NM_001378417.1, NM_006037.4); short protein forms G966C, G971C.
Identifiers: ClinVar variation 3251029 (VCV003251029.18), dbSNP rs746169536.

ClinVar aggregate classification (germline): Uncertain significance (1 of 4 stars; one submission).

Allele frequency attached by ClinVar (database versions not stated): TOPMed below 0.00001.

Submission:

CeGaT Center for Human Genetics Tuebingen
Classification: Uncertain significance. Last evaluated: 2024-06-01. Review status: criteria provided, single submitter. Criteria: CeGaT Center For Human Genetics Tuebingen Variant Classification Criteria Version 2. Collection method: clinical testing. Allele origin: germline. Affected: yes. Observed: 1 variant allele.
Comment: HDAC4: PM2